The following is an entry in ClinVar:

ClinVar aggregate classification (germline): Likely pathogenic (1 of 4 stars; one submission).

Conditions:
Fanconi anemia complementation group O. Also called: RAD51C-Related Fanconi Anemia. Identifiers: Orphanet 84, MedGen C3150653, MONDO:0013248, OMIM 613390.

Submission:

Labcorp Genetics (formerly Invitae), Labcorp
Classification: Likely pathogenic for Fanconi anemia, complementation group O. Last evaluated: 2019-11-22. Review status: criteria provided, single submitter. Criteria: Invitae Variant Classification Sherloc (09022015). Collection method: clinical testing. Allele origin: germline.
Comment: This variant results in a copy number gain of the genomic region encompassing exon 6 of the RAD51C gene. While the exact position of this variant cannot be determined from this data, sub-genic copy number gains are generally in tandem (PMID: 25640679) and may result in an absent or disrupted protein product. This variant has not been reported in the literature in individuals with RAD51C-related conditions. Loss-of-function variants in RAD51C are known to be pathogenic (PMID: 20400964, 21990120, 24800917). In summary, the currently available evidence indicates that the variant is pathogenic, but additional data are needed to prove that conclusively. Therefore, this variant has been classified as Likely Pathogenic.

NC_000017.10:g.(?_56798101)_(56798179_?)dup

Gene: RAD51C (RAD51 paralog C; plus strand). Cytogenetic location: 17q22.
Variant type: Duplication.
Identifiers: ClinVar variation 471425 (VCV000471425.2).